The following is an entry in ClinVar:

ClinVar aggregate classification (germline): Benign. Review status: criteria provided, multiple submitters, no conflicts (2 of 4 stars). 2 submissions from 2 submitters: Benign (2). Last evaluated 2018-06-19.

Allele frequency attached by ClinVar (database versions not stated): 1000 Genomes Project 30x 0.11368; 1000 Genomes Project 0.11861; TOPMed 0.12053; gnomAD 0.12853 and 0.13329.
gnomAD v4.1: 206,364 of 1,246,372 alleles (17%); highest among the groups gnomAD compares: South Asian, 27%; 18,900 homozygotes.

Submissions (2):

GeneDx
Classification: Benign. Last evaluated: 2018-06-19. Review status: criteria provided, single submitter. Criteria: GeneDx Variant Classification (06012015). Collection method: clinical testing. Allele origin: germline. Affected: yes.
Comment: This variant is considered likely benign or benign based on one or more of the following criteria: it is a conservative change, it occurs at a poorly conserved position in the protein, it is predicted to be benign by multiple in silico algorithms, and/or has population frequency not consistent with disease.

Breakthrough Genomics
Classification: Benign. Review status: criteria provided, single submitter. Criteria: ACMG Guidelines, 2015. Collection method: not provided. Allele origin: germline. Inheritance: Autosomal recessive inheritance. Affected: yes.

NM_000083.3(CLCN1):c.2365-102C>T

Gene: CLCN1 (chloride voltage-gated channel 1; plus strand). Cytogenetic location: 7q34.
Variant type: single nucleotide variant.
Coding change: c.2365-102C>T on transcript NM_000083.3 (MANE Select); 102 bases into the intron before coding-DNA position 2365, C replaced by T.
Molecular consequence: intron variant.
Genome position (GRCh38, 1-based): chr7:143,346,809, C>T. VCF-style: chr7-143346809-C-T. GRCh37 (hg19) VCF-style: chr7-143043902-C-T.
Identifiers: ClinVar variation 680262 (VCV000680262.2), dbSNP rs2242490, ClinGen allele CA15534269.
Genomic context (GRCh38, chr7:143,346,809, plus strand): 5'-ACCCCACCAAGGAGGAGGAGTTTAATCATATGGAAGGGATGATGAATGAAAAGGAGGCAT[C>T]GGTGGTCCTGGCCAGGGAGGGATGGCTATTGTTTCATTGGGAGCCATAGCTACCATGGGA-3'